The following is an entry in ClinVar:

ClinVar aggregate classification (germline): Likely benign (1 of 4 stars; one submission).

Allele frequency attached by ClinVar (database versions not stated): 1000 Genomes Project 0.00100; ExAC 0.00253; ESP Exome Variant Server 0.00283.

Submission:

CeGaT Center for Human Genetics Tuebingen
Classification: Likely benign. Last evaluated: 2023-02-01. Review status: criteria provided, single submitter. Criteria: CeGaT Center For Human Genetics Tuebingen Variant Classification Criteria Version 2. Collection method: clinical testing. Allele origin: germline. Affected: yes. Observed: 2 variant alleles.
Comment: NBPF14: BP4, BS2

NM_001395631.1(NBPF14):c.8752G>A (p.Glu2918Lys)

Gene: NBPF14 (NBPF member 14; minus strand). Cytogenetic location: 1q21.2.
Variant type: single nucleotide variant.
Coding change: c.8752G>A on transcript NM_001395631.1 (MANE Select); coding-DNA position 8752, G replaced by A.
Protein change: p.Glu2918Lys; replaces glutamic acid 2918 with lysine.
Molecular consequence: missense variant.
Genome position (GRCh38, 1-based): chr1:148,533,220, C>T on the plus strand (G>A on the coding strand, the complement: NBPF14 is on the minus strand). VCF-style: chr1-148533220-C-T. GRCh37 (hg19) VCF-style: chr1-148004763-C-T.
Other names: c.8245G>A, p.Glu2749Lys (NM_015383.2); short protein forms E2749K, E2918K.
Identifiers: ClinVar variation 2639132 (VCV002639132.24), dbSNP rs147791792, ClinGen allele CA342415377.